The following is an entry in ClinVar:

NM_002184.4(IL6ST):c.1528A>G (p.Ile510Val)

Gene: IL6ST (interleukin 6 cytokine family signal transducer; minus strand). Cytogenetic location: 5q11.2.
Variant type: single nucleotide variant.
Coding change: c.1528A>G on transcript NM_002184.4 (MANE Select); coding-DNA position 1528, A replaced by G.
Protein change: p.Ile510Val; replaces isoleucine 510 with valine.
Molecular consequence: missense variant. On other transcripts: 3 prime UTR variant (1), non-coding transcript variant (2), intron variant (1).
Genome position (GRCh38, 1-based): chr5:55,952,274, T>C on the plus strand (A>G on the coding strand, the complement: IL6ST is on the minus strand). VCF-style: chr5-55952274-T-C. GRCh37 (hg19) VCF-style: chr5-55248102-T-C.
Other names: c.1345A>G, p.Ile449Val (NM_001190981.2); c.1318A>G, p.Ile440Val (NM_001364276.2); c.661A>G, p.Ile221Val (NM_001364277.2); c.625A>G, p.Ile209Val (NM_001364278.2); c.532A>G, p.Ile178Val (NM_001364279.2); c.*455A>G (NM_175767.3); c.1451-199A>G (NM_001364275.2); c.1528A>G (NM_002184.3); short protein forms I449V, I510V, I178V, I209V, I221V, I440V.
Identifiers: ClinVar variation 2175010 (VCV002175010.6), dbSNP rs148372700, ClinGen allele CA3271393.
Genomic context (GRCh38, chr5:55,952,274, plus strand): 5'-AAACTTTTTTTTTCAAAGAAGTGAGTTTGGACTTACGAGCTTGTTTAAGGTATGCCTTTA[T>C]GGATTCAGGGCTTCCTGGTCCATCAGCATATACTGGAGTAACTGTTATCAAATAGCATTT-3'
Protein context (NP_002175.2, residues 500-520): YADGPGSPES[Ile510Val]KAYLKQAPPS

ClinVar aggregate classification (germline): Conflicting classifications of pathogenicity. Review status: criteria provided, conflicting classifications (1 of 4 stars). 2 submissions from 2 submitters: Uncertain significance (1); Likely benign (1). Last evaluated 2025-11-04.

Allele frequency attached by ClinVar (database versions not stated): ExAC 0.00003; gnomAD exomes 0.00005; TOPMed 0.00005; gnomAD 0.00007; ESP Exome Variant Server 0.00015.
gnomAD v4.1: 83 of 1,610,640 alleles (0.0052%); highest among the groups gnomAD compares: African/African-American, 0.016%; no homozygotes.

Submissions (2):

Labcorp Genetics (formerly Invitae), Labcorp
Classification: Uncertain significance. Last evaluated: 2025-11-04. Review status: criteria provided, single submitter. Criteria: Invitae Variant Classification Sherloc (09022015). Collection method: clinical testing. Allele origin: germline.
Comment: This sequence change replaces isoleucine, which is neutral and non-polar, with valine, which is neutral and non-polar, at codon 510 of the IL6ST protein (p.Ile510Val). This variant is present in population databases (rs148372700, gnomAD 0.008%). This variant has not been reported in the literature in individuals affected with IL6ST-related conditions. ClinVar contains an entry for this variant (Variation ID: 2175010). An algorithm developed to predict the effect of missense changes on protein structure and function outputs the following: PolyPhen-2: "Benign". The valine amino acid residue is found in multiple mammalian species, which suggests that this missense change does not adversely affect protein function. In summary, the available evidence is currently insufficient to determine the role of this variant in disease. Therefore, it has been classified as a Variant of Uncertain Significance.

Ambry Genetics
Classification: Likely benign. Last evaluated: 2023-01-18. Review status: criteria provided, single submitter. Criteria: Ambry Variant Classification Scheme 2023. Collection method: clinical testing. Allele origin: germline.